The following is an entry in ClinVar:

NM_006914.4(RORB):c.945C>A (p.Asn315Lys)

Gene: RORB (RAR related orphan receptor B; plus strand). Cytogenetic location: 9q21.13.
Variant type: single nucleotide variant.
Coding change: c.945C>A on transcript NM_006914.4 (MANE Select); coding-DNA position 945, C replaced by A.
Protein change: p.Asn315Lys; replaces asparagine 315 with lysine.
Molecular consequence: missense variant.
Genome position (GRCh38, 1-based): chr9:74,665,540, C>A. VCF-style: chr9-74665540-C-A. GRCh37 (hg19) VCF-style: chr9-77280456-C-A.
Other names: c.978C>A, p.Asn326Lys (NM_001365023.1); short protein forms N315K, N326K.
Identifiers: ClinVar variation 1699060 (VCV001699060.3), dbSNP rs2118526044, ClinGen allele CA373771084.
Genomic context (GRCh38, chr9:74,665,540, plus strand): 5'-ACTCATAGGTTGCTTGGAAGTGGTTTTAGTGAGAATGTGCCGTGCCTTCAACCCATTAAA[C>A]AACACTGTTCTGTTTGAAGGAAAATATGGAGGAATGCAAATGTTCAAAGCCTTAGGTAAG-3'
Protein context (NP_008845.2, residues 305-325): VRMCRAFNPL[Asn315Lys]NTVLFEGKYG

ClinVar aggregate classification (germline): Uncertain significance (1 of 4 stars; one submission).

Conditions:
Epilepsy, idiopathic generalized, susceptibility to, 15 (EIG15). Identifiers: MedGen C5193050, MONDO:0032699, OMIM 618357.

Submission:

Victorian Clinical Genetics Services, Murdoch Childrens Research Institute
Classification: Uncertain significance for Epilepsy, idiopathic generalized, susceptibility to, 15. Last evaluated: 2021-05-06. Review status: criteria provided, single submitter. Criteria: ACMG Guidelines, 2015. Collection method: clinical testing. Allele origin: germline. Inheritance: Autosomal dominant inheritance. Affected: yes.
Comment: Based on the classification scheme VCGS_Germline_v1.3.4, this variant is classified as VUS-3B. Following criteria are met: 0102 - Loss of function is a known mechanism of disease in this gene and is associated with RORB-related neurodevelopmental disorder. (I) 0107 - This gene is associated with autosomal dominant disease. (I) 0200 - Variant is predicted to result in a missense amino acid change from asparagine to lysine. (I) 0251 - This variant is heterozygous. (I) 0301 - Variant is absent from gnomAD (both v2 and v3). (SP) 0501 - Missense variant consistently predicted to be damaging by multiple in silico tools or highly conserved with a major amino acid change. (SP) 0600 - Variant is located in the annotated ligand-binding domain (PDB). (I) 0705 - No comparable missense variants have previous evidence for pathogenicity. (I) 0807 - This variant has no previous evidence of pathogenicity. (I) 0905 - No published segregation evidence has been identified for this variant. (I) 1007 - No published functional evidence has been identified for this variant. (I) 1208 - Inheritance information for this variant is not currently available in this individual. (I)